The following is an entry in ClinVar:

ClinVar aggregate classification (germline): Conflicting classifications of pathogenicity. Review status: criteria provided, conflicting classifications (1 of 4 stars). 3 submissions from 3 submitters: Uncertain significance (1); Likely benign (2). Last evaluated 2024-07-26.

Conditions:
Bethlem myopathy 1A. Also called: MYOPATHY, BENIGN CONGENITAL, WITH CONTRACTURES; Bethlem Muscular Dystrophy; Bethlem myopathy 1. Identifiers: Orphanet 610, MedGen CN029274, MONDO:0024530, OMIM 158810.

gnomAD v4.1: 33 of 1,593,956 alleles (0.0021%); highest among the groups gnomAD compares: South Asian, 0.036%; no homozygotes.

Submissions (3):

Labcorp Genetics (formerly Invitae), Labcorp
Classification: Likely benign for Bethlem myopathy 1A. Last evaluated: 2024-07-26. Review status: criteria provided, single submitter. Criteria: Invitae Variant Classification Sherloc (09022015). Collection method: clinical testing. Allele origin: germline.

Eurofins Ntd Llc (ga)
Classification: Uncertain significance. Last evaluated: 2017-03-22. Review status: criteria provided, single submitter. Criteria: EGL Classification Definitions 2015. Collection method: clinical testing. Allele origin: germline. Observed: 1 variant allele, 1 heterozygote.

GeneDx
Classification: Likely benign. Last evaluated: 2016-07-22. Review status: criteria provided, single submitter. Criteria: GeneDx Variant Classification (06012015). Collection method: clinical testing. Allele origin: germline. Affected: yes.
Comment: This variant is considered likely benign or benign based on one or more of the following criteria: it is a conservative change, it occurs at a poorly conserved position in the protein, it is predicted to be benign by multiple in silico algorithms, and/or has population frequency not consistent with disease.

NM_001848.3(COL6A1):c.2220G>T (p.Pro740=)

Gene: COL6A1 (collagen type VI alpha 1 chain; plus strand). Cytogenetic location: 21q22.3.
Variant type: single nucleotide variant.
Coding change: c.2220G>T on transcript NM_001848.3 (MANE Select); coding-DNA position 2220, G replaced by T.
Protein change: p.Pro740=; no amino-acid change (proline 740 retained).
Molecular consequence: synonymous variant.
Genome position (GRCh38, 1-based): chr21:46,002,371, G>T. VCF-style: chr21-46002371-G-T. GRCh37 (hg19) VCF-style: chr21-47422285-G-T.
Identifiers: ClinVar variation 387487 (VCV000387487.16), dbSNP rs138976133, ClinGen allele CA10070793.